The following is an entry in ClinVar:

ClinVar aggregate classification (germline): Likely benign. Review status: criteria provided, multiple submitters, no conflicts (2 of 4 stars). 2 submissions from 2 submitters: Likely benign (2). Last evaluated 2025-10-01.

Allele frequency attached by ClinVar (database versions not stated): gnomAD 0.00011 and 0.00012; TOPMed 0.00015; gnomAD exomes 0.00019 and 0.00030; ExAC 0.00025; 1000 Genomes Project 0.00040; 1000 Genomes Project 30x 0.00047.
gnomAD v4.1: 306 of 1,603,500 alleles (0.019%); highest among the groups gnomAD compares: East Asian, 0.097%; no homozygotes.

Submissions (2):

CeGaT Center for Human Genetics Tuebingen
Classification: Likely benign. Last evaluated: 2025-10-01. Review status: criteria provided, single submitter. Criteria: CeGaT Center For Human Genetics Tuebingen Variant Classification Criteria Version 2. Collection method: clinical testing. Allele origin: germline. Affected: yes. Observed: 1 variant allele.
Comment: YAP1: BS2

Labcorp Genetics (formerly Invitae), Labcorp
Classification: Likely benign. Last evaluated: 2023-10-11. Review status: criteria provided, single submitter. Criteria: Invitae Variant Classification Sherloc (09022015). Collection method: clinical testing. Allele origin: germline.

NM_001130145.3(YAP1):c.991C>T (p.Arg331Trp)

Gene: YAP1 (Yes1 associated transcriptional regulator; plus strand). Cytogenetic location: 11q22.1.
Variant type: single nucleotide variant.
Coding change: c.991C>T on transcript NM_001130145.3 (MANE Select); coding-DNA position 991, C replaced by T.
Protein change: p.Arg331Trp; replaces arginine 331 with tryptophan.
Molecular consequence: missense variant. On other transcripts: intron variant (4).
Genome position (GRCh38, 1-based): chr11:102,209,523, C>T. VCF-style: chr11-102209523-C-T. GRCh37 (hg19) VCF-style: chr11-102080254-C-T.
Other names: c.457C>T, p.Arg153Trp (NM_001195045.2); c.877C>T, p.Arg293Trp (NM_001282097.2); c.889C>T, p.Arg297Trp (NM_001282099.2); c.1003C>T, p.Arg335Trp (NM_001282101.2); c.996+3437C>T (NM_001282100.2); c.984+3449C>T (NM_001195044.2); c.882+3437C>T (NM_001282098.2); c.870+3449C>T (NM_006106.5); short protein forms R293W, R153W, R335W, R297W, R331W.
Identifiers: ClinVar variation 717444 (VCV000717444.16), dbSNP rs193100333, ClinGen allele CA6246405.